The following is an entry in ClinVar:

ClinVar aggregate classification (germline): Uncertain significance. Review status: criteria provided, single submitter (1 of 4 stars). 2 submissions from 2 submitters: Uncertain significance (1). 1 of the submissions does not count toward it. Last evaluated 2024-11-22.

Conditions:
SAMD9L-related disorder. Also called: SAMD9L-related disorders; SAMD9L-related condition.
Inborn genetic diseases. Identifiers: MedGen C0950123, MeSH D030342.

Allele frequency attached by ClinVar (database versions not stated): gnomAD 0.00001.
gnomAD v4.1: 7 of 1,571,852 alleles (0.00045%); highest among the groups gnomAD compares: African/African-American, 0.0014%; no homozygotes.

Submissions (2):

Ambry Genetics
Classification: Uncertain significance for Inborn genetic diseases. Last evaluated: 2024-11-22. Review status: criteria provided, single submitter. Criteria: Ambry Variant Classification Scheme 2023. Collection method: clinical testing. Allele origin: germline.
Comment: The p.Q4E variant (also known as c.10C>G), located in coding exon 1 of the SAMD9L gene, results from a C to G substitution at nucleotide position 10. The glutamine at codon 4 is replaced by glutamic acid, an amino acid with highly similar properties. This amino acid position is conserved. In addition, this alteration is predicted to be tolerated by in silico analysis. Based on the available evidence, the clinical significance of this variant remains unclear.

PreventionGenetics, part of Exact Sciences
Classification: Uncertain significance for SAMD9L-related condition. Last evaluated: 2023-12-06. Review status: no assertion criteria provided. Collection method: clinical testing. Allele origin: germline. Not counted in ClinVar's aggregate classification.
Comment: The SAMD9L c.10C>G variant is predicted to result in the amino acid substitution p.Gln4Glu. To our knowledge, this variant has not been reported in the literature or in a large population database, indicating this variant is rare. At this time, the clinical significance of this variant is uncertain due to the absence of conclusive functional and genetic evidence.

NM_152703.5(SAMD9L):c.10C>G (p.Gln4Glu)

Gene: SAMD9L (sterile alpha motif domain containing 9 like; minus strand). Cytogenetic location: 7q21.2.
Variant type: single nucleotide variant.
Coding change: c.10C>G on transcript NM_152703.5 (MANE Select); coding-DNA position 10, C replaced by G.
Protein change: p.Gln4Glu; replaces glutamine 4 with glutamic acid.
Molecular consequence: missense variant.
Genome position (GRCh38, 1-based): chr7:93,135,962, G>C on the plus strand (C>G on the coding strand, the complement: SAMD9L is on the minus strand). VCF-style: chr7-93135962-G-C. GRCh37 (hg19) VCF-style: chr7-92765275-G-C.
Other names: c.10C>G, p.Gln4Glu (NM_001303496.3, NM_001303497.3, NM_001303498.3 and 5 more transcripts); c.10C>G (NM_152703.2); short protein forms Q4E.
Identifiers: ClinVar variation 3053605 (VCV003053605.3), dbSNP rs1023701543, ClinGen allele CA368207107.